The following is an entry in ClinVar:

ClinVar aggregate classification (germline): Uncertain significance (1 of 4 stars; one submission).

Conditions:
Biotinidase deficiency. Also called: BTD deficiency; Late-onset biotin-responsive multiple carboxylase deficiency; Biotin deficiency. Identifiers: Orphanet 79241, MedGen C0220754, MONDO:0009665, OMIM 253260.

gnomAD v4.1: 2 of 1,613,956 alleles (0.00012%); highest among the groups gnomAD compares: African/African-American, 0.0027%; no homozygotes.

Submission:

3billion
Classification: Uncertain significance for Biotinidase deficiency. Last evaluated: 2025-09-17. Review status: criteria provided, single submitter. Criteria: ACMG Guidelines, 2015. Collection method: clinical testing. Allele origin: germline. Affected: yes.
Comment: The variant is observed at an extremely low frequency in the gnomAD v4.1.0 dataset (total allele frequency: <0.001%). Predicted Consequence/Location: Missense variant In silico tool predictions suggest damaging effect of the variant on gene or gene product [REVEL: 0.75 (>=0.6, sensitivity 0.68 and specificity 0.92); 3Cnet: 0.96 (> 0.75, sensitivity 0.96 and precision 0.92)]. Different missense changes at the same codon (p.Asp202Asn, p.Asp202His) have been reported to be associated with BTD-related disorder (ClinVar ID: VCV002734450 /PMID: 25174816, 26810761). However the evidence of pathogenicity is insufficient at this time. Therefore, this variant is classified as VUS according to the recommendation of ACMG/AMP guideline.

Literature cited by the submitters: PubMed 25174816.

NM_001370658.1(BTD):c.605A>G (p.Asp202Gly)

Gene: BTD (biotinidase; plus strand). Cytogenetic location: 3p25.1.
Variant type: single nucleotide variant.
Coding change: c.605A>G on transcript NM_001370658.1 (MANE Select); coding-DNA position 605, A replaced by G.
Protein change: p.Asp202Gly; replaces aspartic acid 202 with glycine.
Molecular consequence: missense variant. On other transcripts: intron variant (6).
Genome position (GRCh38, 1-based): chr3:15,644,521, A>G. VCF-style: chr3-15644521-A-G. GRCh37 (hg19) VCF-style: chr3-15686028-A-G.
Other names: c.605A>G, p.Asp202Gly (NM_001281723.4, NM_001281724.3, NM_001281725.3 and 18 more transcripts); c.399+2464A>G (NM_001370753.1, NM_001407400.1, NM_001407401.1 and 3 more transcripts); short protein forms D202G.
Identifiers: ClinVar variation 4854427 (VCV004854427.1).